The following is an entry in ClinVar:

NM_001009999.3(KDM1A):c.238T>A (p.Ser80Thr)

Gene: KDM1A (lysine demethylase 1A; plus strand). Cytogenetic location: 1p36.12.
Variant type: single nucleotide variant.
Coding change: c.238T>A on transcript NM_001009999.3 (MANE Select); coding-DNA position 238, T replaced by A.
Protein change: p.Ser80Thr; replaces serine 80 with threonine.
Molecular consequence: missense variant.
Genome position (GRCh38, 1-based): chr1:23,019,834, T>A. VCF-style: chr1-23019834-T-A. GRCh37 (hg19) VCF-style: chr1-23346327-T-A.
Other names: c.238T>A, p.Ser80Thr (NM_001363654.2, NM_001410762.1, NM_001410763.1 and 1 more transcripts); short protein forms S80T.
Identifiers: ClinVar variation 3863250 (VCV003863250.1).

ClinVar aggregate classification (germline): Uncertain significance (1 of 4 stars; one submission).

Conditions:
Inborn genetic diseases. Identifiers: MedGen C0950123, MeSH D030342.

gnomAD v4.1: 3 of 1,441,056 alleles (0.00021%); highest among the groups gnomAD compares: African/African-American, 0.0015%; no homozygotes.

Submission:

Ambry Genetics
Classification: Uncertain significance for Inborn genetic diseases. Last evaluated: 2025-01-06. Review status: criteria provided, single submitter. Criteria: Ambry Variant Classification Scheme 2023. Collection method: clinical testing. Allele origin: germline.
Comment: The p.S80T variant (also known as c.238T>A), located in coding exon 1 of the KDM1A gene, results from a T to A substitution at nucleotide position 238. The serine at codon 80 is replaced by threonine, an amino acid with similar properties. This amino acid position is conserved. In addition, this alteration is predicted to be tolerated by in silico analysis. Based on the available evidence, the clinical significance of this variant remains unclear.